The following is an entry in ClinVar:

NM_001040142.2(SCN2A):c.1281C>T (p.Ala427=)

Gene: SCN2A (sodium voltage-gated channel alpha subunit 2; plus strand). Cytogenetic location: 2q24.3.
Variant type: single nucleotide variant.
Coding change: c.1281C>T on transcript NM_001040142.2 (MANE Select); coding-DNA position 1281, C replaced by T.
Protein change: p.Ala427=; no amino-acid change (alanine 427 retained).
Molecular consequence: synonymous variant.
Genome position (GRCh38, 1-based): chr2:165,314,006, C>T. VCF-style: chr2-165314006-C-T. GRCh37 (hg19) VCF-style: chr2-166170516-C-T.
Other names: c.1281C>T, p.Ala427= (NM_001040143.2, NM_001371246.1, NM_001371247.1 and 1 more transcripts); c.1281C>T (NM_021007.2).
Identifiers: ClinVar variation 1585354 (VCV001585354.9), dbSNP rs2105255954, ClinGen allele CA429884891.

ClinVar aggregate classification (germline): Likely benign. Review status: criteria provided, multiple submitters, no conflicts (2 of 4 stars). 2 submissions from 2 submitters: Likely benign (2). Last evaluated 2025-08-23.

Conditions:
Seizures, benign familial infantile, 3 (BFIS3). Also called: Familial neonatal seizures; CONVULSIONS, BENIGN FAMILIAL INFANTILE, 3. Identifiers: Orphanet 140927, Orphanet 306, MedGen C1843140, MONDO:0011904, OMIM 607745.
Developmental and epileptic encephalopathy, 11 (DEE11). Also called: Early infantile epileptic encephalopathy 11. Identifiers: Orphanet 1934, MedGen C3150987, MONDO:0013388, OMIM 613721.
SCN2A-related disorder. Also called: SCN2A-related condition; SCN2A-related disorders. Identifiers: MedGen CN382226, MONDO:1060245.

Submissions (2):

PreventionGenetics, part of Exact Sciences
Classification: Likely benign for SCN2A-related condition. Last evaluated: 2025-08-23. Review status: criteria provided, single submitter. Criteria: ACMG Guidelines, 2015. Collection method: clinical testing. Allele origin: germline.
Comment: This variant is classified as likely benign based on ACMG/AMP sequence variant interpretation guidelines (Richards et al. 2015 PMID: 25741868, with internal and published modifications).

Labcorp Genetics (formerly Invitae), Labcorp
Classification: Likely benign for Seizures, benign familial infantile, 3; Developmental and epileptic encephalopathy, 11. Last evaluated: 2024-10-17. Review status: criteria provided, single submitter. Criteria: Invitae Variant Classification Sherloc (09022015). Collection method: clinical testing. Allele origin: germline.